The following is an entry in ClinVar:

ClinVar aggregate classification (germline): Uncertain significance (1 of 4 stars; one submission).

Allele frequency attached by ClinVar (database versions not stated): gnomAD exomes below 0.00001.
gnomAD v4.1: 1 of 1,476,180 alleles (0.000068%); highest among the groups gnomAD compares: Non-Finnish European, 0.00009%; no homozygotes.

Submission:

Ambry Genetics
Classification: Uncertain significance. Last evaluated: 2022-10-07. Review status: criteria provided, single submitter. Criteria: Ambry Variant Classification Scheme 2023. Collection method: clinical testing. Allele origin: germline.
Comment: The p.R92G variant (also known as c.274C>G), located in coding exon 1 of the GALNT12 gene, results from a C to G substitution at nucleotide position 274. The arginine at codon 92 is replaced by glycine, an amino acid with dissimilar properties. This amino acid position is conserved. In addition, this alteration is predicted to be tolerated by in silico analysis. Since supporting evidence is limited at this time, the clinical significance of this alteration remains unclear.

NM_024642.5(GALNT12):c.274C>G (p.Arg92Gly)

Gene: GALNT12 (polypeptide N-acetylgalactosaminyltransferase 12; plus strand). Cytogenetic location: 9q22.33.
Variant type: single nucleotide variant.
Coding change: c.274C>G on transcript NM_024642.5 (MANE Select); coding-DNA position 274, C replaced by G.
Protein change: p.Arg92Gly; replaces arginine 92 with glycine.
Molecular consequence: missense variant.
Genome position (GRCh38, 1-based): chr9:98,807,972, C>G. VCF-style: chr9-98807972-C-G. GRCh37 (hg19) VCF-style: chr9-101570254-C-G.
Other names: short protein forms R92G.
Identifiers: ClinVar variation 1795525 (VCV001795525.2), dbSNP rs2118257679, ClinGen allele CA374222721.
Genomic context (GRCh38, chr9:98,807,972, plus strand): 5'-GCGAACGCGCTGGGCGCGCGGGGCGAGGCGGTGCGGCTGCAGCTGCAGGGCGAGGAGCTG[C>G]GGCTGCAGGAGGAGAGCGTGCGGCTGCACCAGATTAACATCTACCTCAGCGACCGCATCT-3'
Protein context (NP_078918.3, residues 82-102): VRLQLQGEEL[Arg92Gly]LQEESVRLHQ